The following is an entry in ClinVar:

NM_001283009.2(RTEL1):c.2747C>G (p.Thr916Ser)

Genes: RTEL1 (regulator of telomere elongation helicase 1; plus strand), RTEL1-TNFRSF6B (RTEL1-TNFRSF6B readthrough (NMD candidate); plus strand). Cytogenetic location: 20q13.33.
Variant type: single nucleotide variant.
Coding change: c.2747C>G on transcript NM_001283009.2 (MANE Select); coding-DNA position 2747, C replaced by G.
Protein change: p.Thr916Ser; replaces threonine 916 with serine.
Molecular consequence: missense variant. On other transcripts: non-coding transcript variant (1).
Genome position (GRCh38, 1-based): chr20:63,692,899, C>G. VCF-style: chr20-63692899-C-G. GRCh37 (hg19) VCF-style: chr20-62324252-C-G.
Other names: c.2078C>G, p.Thr693Ser (NM_001283010.1); c.2747C>G, p.Thr916Ser (NM_016434.4); c.2819C>G, p.Thr940Ser (NM_032957.5); short protein forms T940S, T916S, T693S.
Identifiers: ClinVar variation 2173016 (VCV002173016.5), dbSNP rs749234586, ClinGen allele CA9965520.

ClinVar aggregate classification (germline): Uncertain significance. Review status: criteria provided, multiple submitters, no conflicts (2 of 4 stars). 2 submissions from 2 submitters: Uncertain significance (2). Last evaluated 2025-08-16.

Conditions:
Inborn genetic diseases. Identifiers: MedGen C0950123, MeSH D030342.
Pulmonary fibrosis and/or bone marrow failure, Telomere-related, 3. Also called: PULMONARY FIBROSIS AND/OR BONE MARROW FAILURE SYNDROME, TELOMERE-RELATED, 3. Identifiers: Orphanet 2032, MedGen C4225346, MONDO:0014613, OMIM 616373.
Dyskeratosis congenita, autosomal recessive 5 (DKCB5). Identifiers: MedGen C3554656, MONDO:0014076, OMIM 615190.

Allele frequency attached by ClinVar (database versions not stated): ExAC 0.00006.
gnomAD v4.1: 11 of 1,612,660 alleles (0.00068%); highest among the groups gnomAD compares: South Asian, 0.0099%; no homozygotes.

Submissions (2):

Labcorp Genetics (formerly Invitae), Labcorp
Classification: Uncertain significance for Dyskeratosis congenita, autosomal recessive 5; Pulmonary fibrosis and/or bone marrow failure, Telomere-related, 3. Last evaluated: 2025-08-16. Review status: criteria provided, single submitter. Criteria: Invitae Variant Classification Sherloc (09022015). Collection method: clinical testing. Allele origin: germline.
Comment: This sequence change replaces threonine, which is neutral and polar, with serine, which is neutral and polar, at codon 916 of the RTEL1 protein (p.Thr916Ser). This variant is present in population databases (rs749234586, gnomAD 0.02%). This variant has not been reported in the literature in individuals affected with RTEL1-related conditions. ClinVar contains an entry for this variant (Variation ID: 2173016). An algorithm developed to predict the effect of missense changes on protein structure and function (PolyPhen-2) suggests that this variant is likely to be tolerated. In summary, the available evidence is currently insufficient to determine the role of this variant in disease. Therefore, it has been classified as a Variant of Uncertain Significance.

Ambry Genetics
Classification: Uncertain significance for Inborn genetic diseases. Last evaluated: 2024-12-01. Review status: criteria provided, single submitter. Criteria: Ambry Variant Classification Scheme 2023. Collection method: clinical testing. Allele origin: germline.
Comment: The p.T916S variant (also known as c.2747C>G), located in coding exon 28 of the RTEL1 gene, results from a C to G substitution at nucleotide position 2747. The threonine at codon 916 is replaced by serine, an amino acid with similar properties. This amino acid position is conserved. In addition, this alteration is predicted to be tolerated by in silico analysis. Based on the available evidence, the clinical significance of this variant remains unclear.